The following is an entry in ClinVar:

NM_020738.4(KIDINS220):c.5215C>T (p.Arg1739Cys)

Gene: KIDINS220 (kinase D interacting substrate 220; minus strand). Cytogenetic location: 2p25.1.
Variant type: single nucleotide variant.
Coding change: c.5215C>T on transcript NM_020738.4 (MANE Select); coding-DNA position 5215, C replaced by T.
Protein change: p.Arg1739Cys; replaces arginine 1739 with cysteine.
Molecular consequence: missense variant. On other transcripts: intron variant (6).
Genome position (GRCh38, 1-based): chr2:8,730,821, G>A on the plus strand (C>T on the coding strand, the complement: KIDINS220 is on the minus strand). VCF-style: chr2-8730821-G-A. GRCh37 (hg19) VCF-style: chr2-8870951-G-A.
Other names: c.5218C>T, p.Arg1740Cys (NM_001348729.2); c.5161C>T, p.Arg1721Cys (NM_001348731.2); c.5158C>T, p.Arg1720Cys (NM_001348732.2); c.5047C>T, p.Arg1683Cys (NM_001348734.2); c.5044C>T, p.Arg1682Cys (NM_001348735.2); c.4918C>T, p.Arg1640Cys (NM_001348736.2); c.3882+2623C>T (NM_001348741.2, NM_001348742.2, NM_001348743.2); c.3996+2623C>T (NM_001348738.2); and 1 more; short protein forms R1682C, R1720C, R1739C, R1640C, R1683C, R1740C, R1721C.
Identifiers: ClinVar variation 2233953 (VCV002233953.5), dbSNP rs749886554, ClinGen allele CA1519232.

ClinVar aggregate classification (germline): Conflicting classifications of pathogenicity. Review status: criteria provided, conflicting classifications (1 of 4 stars). 4 submissions from 4 submitters: Uncertain significance (3); Likely benign (1). Last evaluated 2026-04-21.

Conditions:
Inborn genetic diseases. Identifiers: MedGen C0950123, MeSH D030342.
KIDINS220-related disorder. Also called: KIDINS220-related condition.
Early onset severe obesity. Identifiers: MedGen C4013980.

Allele frequency attached by ClinVar (database versions not stated): gnomAD 0.00002; gnomAD exomes 0.00002; ExAC 0.00003.
gnomAD v4.1: 29 of 1,614,100 alleles (0.0018%); highest among the groups gnomAD compares: Admixed American, 0.005%; no homozygotes.

Submissions (4):

Cambridge Genomics Laboratory, East Genomic Laboratory Hub, NHS Genomic Medicine Service
Classification: Likely benign for Severe early-onset obesity. Last evaluated: 2026-04-21. Review status: criteria provided, single submitter. Criteria: ACGS Best Practice Guidelines for Variant Classification in Rare Disease 2020. Collection method: clinical testing. Allele origin: germline. Affected: yes.
Comment: BP4

Labcorp Genetics (formerly Invitae), Labcorp
Classification: Uncertain significance. Last evaluated: 2025-10-06. Review status: criteria provided, single submitter. Criteria: Invitae Variant Classification Sherloc (09022015). Collection method: clinical testing. Allele origin: germline.
Comment: This sequence change replaces arginine, which is basic and polar, with cysteine, which is neutral and slightly polar, at codon 1739 of the KIDINS220 protein (p.Arg1739Cys). This variant is present in population databases (rs749886554, gnomAD 0.003%). This variant has not been reported in the literature in individuals affected with KIDINS220-related conditions. ClinVar contains an entry for this variant (Variation ID: 2233953). An algorithm developed to predict the effect of missense changes on protein structure and function (PolyPhen-2) suggests that this variant is likely to be disruptive. In summary, the available evidence is currently insufficient to determine the role of this variant in disease. Therefore, it has been classified as a Variant of Uncertain Significance.

PreventionGenetics, part of Exact Sciences
Classification: Uncertain significance for KIDINS220-related condition. Last evaluated: 2023-06-23. Review status: criteria provided, single submitter. Criteria: ACMG Guidelines, 2015. Collection method: clinical testing. Allele origin: germline.
Comment: The KIDINS220 c.5215C>T variant is predicted to result in the amino acid substitution p.Arg1739Cys. To our knowledge, this variant has not been reported in the literature. This variant is reported in 0.0056% of alleles in individuals of East Asian descent in gnomAD. At this time, the clinical significance of this variant is uncertain due to the absence of conclusive functional and genetic evidence.

Ambry Genetics
Classification: Uncertain significance for Inborn genetic diseases. Last evaluated: 2021-06-29. Review status: criteria provided, single submitter. Criteria: Ambry Variant Classification Scheme 2023. Collection method: clinical testing. Allele origin: germline.